The following is an entry in ClinVar:

NM_000431.4(MVK):c.943_944del (p.Leu315fs)

Gene: MVK (mevalonate kinase; plus strand). Cytogenetic location: 12q24.11.
Variant type: Microsatellite.
Coding change: c.943_944del on transcript NM_000431.4 (MANE Select); coding-DNA positions 943 to 944, 2 bases deleted (CT; older notation c.943_944delCT).
Protein change: p.Leu315fs; shifts the reading frame from leucine 315.
Molecular consequence: frameshift variant.
Genome position (GRCh38, 1-based): chr12:109,595,085-109,595,086, CT deleted; deleting any 2 consecutive bases within chr12:109,595,081-109,595,086 gives the same sequence; the c. name uses the placement nearest the transcript's 3' end. VCF-style (leftmost placement, unchanged base first): chr12-109595080-CCT-C. GRCh37 (hg19) VCF-style: chr12-110032885-CCT-C.
Other names: c.943_944del, p.Leu315fs (NM_001114185.3); c.787_788del, p.Leu263fs (NM_001301182.2); short protein forms L315fs, L263fs.
Identifiers: ClinVar variation 871146 (VCV000871146.48), dbSNP rs776735249, ClinGen allele CA6779421.

ClinVar aggregate classification (germline): Pathogenic/Likely pathogenic. Review status: criteria provided, multiple submitters, no conflicts (2 of 4 stars). 5 submissions from 5 submitters: Pathogenic (1); Likely pathogenic (3). 1 of the submissions does not count toward it. Last evaluated 2025-09-18.

Conditions:
Porokeratosis 3, disseminated superficial actinic type (POROK3). Also called: POROKERATOSIS 3, MULTIPLE TYPES; POROKERATOSIS 3, MIBELLI TYPE; POROKERATOSIS, DISSEMINATED SUPERFICIAL ACTINIC, 1. Identifiers: MedGen C1867981, MONDO:0008293, OMIM 175900.
Hyperimmunoglobulin D with periodic fever (HIDS). Also called: Hyperimmunoglobulinemia D; Hyperimmunoglobulinemia D with periodic fever; HYPERIMMUNOGLOBULINEMIA D AND PERIODIC FEVER SYNDROME. Identifiers: Orphanet 343, MedGen C0398691, MONDO:0009849, OMIM 260920.
Mevalonic aciduria (MEVA). Identifiers: Orphanet 29, MedGen C1959626, MONDO:0012481, OMIM 610377.
MVK-related disorder. Also called: MVK-related condition; MVK-related disorders. Identifiers: MedGen CN239294.

Submissions (5):

Labcorp Genetics (formerly Invitae), Labcorp
Classification: Pathogenic for Mevalonic aciduria; Hyperimmunoglobulin D with periodic fever; Porokeratosis 3, disseminated superficial actinic type. Last evaluated: 2025-09-18. Review status: criteria provided, single submitter. Criteria: Invitae Variant Classification Sherloc (09022015). Collection method: clinical testing. Allele origin: germline.
Comment: This sequence change creates a premature translational stop signal (p.Leu315Glyfs*51) in the MVK gene. While this is not anticipated to result in nonsense mediated decay, it is expected to disrupt the last 82 amino acid(s) of the MVK protein. This variant is present in population databases (rs776735249, gnomAD 0.004%). This premature translational stop signal has been observed in individual(s) with autosomal dominant porokeratosis (PMID: 33279647). This variant disrupts a region of the MVK protein in which other variant(s) (p.Arg388*) have been determined to be pathogenic (PMID: 23146290, 23998246, 27012807). This suggests that this is a clinically significant region of the protein, and that variants that disrupt it are likely to be disease-causing. For these reasons, this variant has been classified as Pathogenic.

Fulgent Genetics
Classification: Likely pathogenic for Porokeratosis 3, disseminated superficial actinic type; Hyperimmunoglobulin D with periodic fever; Mevalonic aciduria. Last evaluated: 2024-03-07. Review status: criteria provided, single submitter. Criteria: ACMG Guidelines, 2015. Collection method: clinical testing. Allele origin: germline.

Blueprint Genetics
Classification: Likely pathogenic for MVK-related disorders. Last evaluated: 2023-08-25. Review status: criteria provided, single submitter. Criteria: ACMG Guidelines, 2015. Collection method: clinical testing. Allele origin: germline. Affected: yes. Observed: 2 variant alleles.

CeGaT Center for Human Genetics Tuebingen
Classification: Likely pathogenic. Last evaluated: 2019-07-01. Review status: criteria provided, single submitter. Criteria: CeGaT Center For Human Genetics Tuebingen Variant Classification Criteria Version 2. Collection method: clinical testing. Allele origin: germline. Affected: yes. Observed: 1 variant allele.

Cytogénomique, Hospices Civils de Lyon
Classification: Pathogenic for Mevalonic aciduria. Review status: no assertion criteria provided. Collection method: clinical testing. Allele origin: maternal. Inheritance: Autosomal recessive inheritance. Affected: yes. Not counted in ClinVar's aggregate classification.

Literature cited by the submitters: PubMed 33279647 (cited by Labcorp Genetics (formerly Invitae), Labcorp); PubMed 23146290 (cited by Labcorp Genetics (formerly Invitae), Labcorp); PubMed 23998246 (cited by Labcorp Genetics (formerly Invitae), Labcorp); PubMed 27012807 (cited by Labcorp Genetics (formerly Invitae), Labcorp).